The following is an entry in ClinVar:

NM_000038.6(APC):c.7702G>A (p.Gly2568Arg)

Gene: APC (APC regulator of Wnt signaling pathway; plus strand). Cytogenetic location: 5q22.2.
Variant type: single nucleotide variant.
Coding change: c.7702G>A on transcript NM_000038.6 (MANE Select); coding-DNA position 7702, G replaced by A.
Protein change: p.Gly2568Arg; replaces glycine 2568 with arginine.
Molecular consequence: missense variant. On other transcripts: non-coding transcript variant (2).
Genome position (GRCh38, 1-based): chr5:112,843,296, G>A. VCF-style: chr5-112843296-G-A. GRCh37 (hg19) VCF-style: chr5-112178993-G-A.
Other names: c.6550G>A, p.Gly2184Arg (NM_001407472.1, NM_001407471.1); c.7702G>A, p.Gly2568Arg (NM_001127510.3, NM_001354895.2, NM_001407450.1); c.7648G>A, p.Gly2550Arg (NM_001127511.3); c.7756G>A, p.Gly2586Arg (NM_001354896.2, NM_001407447.1, NM_001407448.1 and 1 more transcripts); c.7732G>A, p.Gly2578Arg (NM_001354897.2); c.7627G>A, p.Gly2543Arg (NM_001354898.2); c.7618G>A, p.Gly2540Arg (NM_001354899.2); c.7579G>A, p.Gly2527Arg (NM_001354900.2); and 11 more; short protein forms G2439R, G2442R, G2467R, G2540R, G2596R, G2408R, G2568R, G2578R.
Identifiers: ClinVar variation 3635520 (VCV003635520.2).

ClinVar aggregate classification (germline): Uncertain significance (1 of 4 stars; one submission).

Conditions:
Familial adenomatous polyposis 1 (FAP1). Also called: FAMILIAL ADENOMATOUS POLYPOSIS 1, ATTENUATED; POLYPOSIS, ADENOMATOUS INTESTINAL. Identifiers: MedGen C2713442, MONDO:0021056, OMIM 175100. Disease mechanism: loss of function.

gnomAD v4.1: 1 of 1,612,830 alleles (0.000062%); highest among the groups gnomAD compares: Non-Finnish European, 0.000085%; no homozygotes.

Submission:

Labcorp Genetics (formerly Invitae), Labcorp
Classification: Uncertain significance for Familial adenomatous polyposis 1. Last evaluated: 2025-01-28. Review status: criteria provided, single submitter. Criteria: Invitae Variant Classification Sherloc (09022015). Collection method: clinical testing. Allele origin: germline.
Comment: This sequence change replaces glycine, which is neutral and non-polar, with arginine, which is basic and polar, at codon 2568 of the APC protein (p.Gly2568Arg). This variant is not present in population databases (gnomAD no frequency). This variant has not been reported in the literature in individuals affected with APC-related conditions. Invitae Evidence Modeling of protein sequence and biophysical properties (such as structural, functional, and spatial information, amino acid conservation, physicochemical variation, residue mobility, and thermodynamic stability) indicates that this missense variant is not expected to disrupt APC protein function with a negative predictive value of 95%. In summary, the available evidence is currently insufficient to determine the role of this variant in disease. Therefore, it has been classified as a Variant of Uncertain Significance.